The following is an entry in ClinVar:

NM_001330360.2(POLA1):c.454A>G (p.Thr152Ala)

Gene: POLA1 (DNA polymerase alpha 1, catalytic subunit; plus strand). Cytogenetic location: Xp22.11.
Variant type: single nucleotide variant.
Coding change: c.454A>G on transcript NM_001330360.2 (MANE Select); coding-DNA position 454, A replaced by G.
Protein change: p.Thr152Ala; replaces threonine 152 with alanine.
Molecular consequence: missense variant. On other transcripts: non-coding transcript variant (2).
Genome position (GRCh38, 1-based): chrX:24,714,661, A>G. VCF-style: chrX-24714661-A-G. GRCh37 (hg19) VCF-style: chrX-24732778-A-G.
Other names: c.454A>G, p.Thr152Ala (NM_001378303.1); c.436A>G, p.Thr146Ala (NM_016937.4); short protein forms T152A, T146A.
Identifiers: ClinVar variation 1524165 (VCV001524165.6), dbSNP rs2148341076, ClinGen allele CA412527209.
Genomic context (GRCh38, chrX:24,714,661, plus strand): 5'-CTCGCAGTGACAAAACCGAACAACATTAAGTCAATGTTCATTGCTTGTGCTGGAAAGAAA[A>G]CTGCAGATGTGAGTTTCATGGTTTCCTTATTTTTTGTATTTTCCTTTGTGAGGTGAATTT-3'
Protein context (NP_001317289.1, residues 142-162): SMFIACAGKK[Thr152Ala]ADKAVDLSKD

ClinVar aggregate classification (germline): Uncertain significance (1 of 4 stars; one submission).

Submission:

Labcorp Genetics (formerly Invitae), Labcorp
Classification: Uncertain significance. Last evaluated: 2022-09-09. Review status: criteria provided, single submitter. Criteria: Invitae Variant Classification Sherloc (09022015). Collection method: clinical testing. Allele origin: germline.
Comment: This sequence change replaces threonine, which is neutral and polar, with alanine, which is neutral and non-polar, at codon 146 of the POLA1 protein (p.Thr146Ala). This variant is not present in population databases (gnomAD no frequency). This variant has not been reported in the literature in individuals affected with POLA1-related conditions. ClinVar contains an entry for this variant (Variation ID: 1524165). Advanced modeling of protein sequence and biophysical properties (such as structural, functional, and spatial information, amino acid conservation, physicochemical variation, residue mobility, and thermodynamic stability) performed at Invitae indicates that this missense variant is not expected to disrupt POLA1 protein function. In summary, the available evidence is currently insufficient to determine the role of this variant in disease. Therefore, it has been classified as a Variant of Uncertain Significance.